The following is an entry in ClinVar:

ClinVar aggregate classification (germline): Conflicting classifications of pathogenicity. Review status: criteria provided, conflicting classifications (1 of 4 stars). 2 submissions from 2 submitters: Uncertain significance (1); Likely benign (1). Last evaluated 2025-06-04.

Conditions:
Familial cold autoinflammatory syndrome 3 (FCAS3). Also called: FAMILIAL ATYPICAL COLD URTICARIA; ANTIBODY DEFICIENCY AND IMMUNE DYSREGULATION, PLCG2-ASSOCIATED. Identifiers: Orphanet 300359, MedGen C3280914, MONDO:0013766, OMIM 614468.

Allele frequency attached by ClinVar (database versions not stated): ExAC 0.00002; gnomAD exomes 0.00002; gnomAD 0.00003 and 0.00004; TOPMed 0.00001.
gnomAD v4.1: 32 of 1,614,054 alleles (0.002%); highest among the groups gnomAD compares: Non-Finnish European, 0.0023%; no homozygotes.

Submissions (2):

Labcorp Genetics (formerly Invitae), Labcorp
Classification: Uncertain significance for Familial cold autoinflammatory syndrome 3. Last evaluated: 2025-06-04. Review status: criteria provided, single submitter. Criteria: Invitae Variant Classification Sherloc (09022015). Collection method: clinical testing. Allele origin: germline.
Comment: This sequence change replaces phenylalanine, which is neutral and non-polar, with leucine, which is neutral and non-polar, at codon 33 of the PLCG2 protein (p.Phe33Leu). This variant is present in population databases (rs773040139, gnomAD 0.006%). This variant has not been reported in the literature in individuals affected with PLCG2-related conditions. ClinVar contains an entry for this variant (Variation ID: 1003693). An algorithm developed to predict the effect of missense changes on protein structure and function outputs the following: PolyPhen-2: "Benign". The leucine amino acid residue is found in multiple mammalian species, which suggests that this missense change does not adversely affect protein function. In summary, the available evidence is currently insufficient to determine the role of this variant in disease. Therefore, it has been classified as a Variant of Uncertain Significance.

CeGaT Center for Human Genetics Tuebingen
Classification: Likely benign. Last evaluated: 2023-01-01. Review status: criteria provided, single submitter. Criteria: CeGaT Center For Human Genetics Tuebingen Variant Classification Criteria Version 2. Collection method: clinical testing. Allele origin: germline. Affected: yes. Observed: 1 variant allele.
Comment: PLCG2: BP4, BP5

NM_002661.5(PLCG2):c.97T>C (p.Phe33Leu)

Gene: PLCG2 (phospholipase C gamma 2; plus strand). Cytogenetic location: 16q23.3.
Variant type: single nucleotide variant.
Coding change: c.97T>C on transcript NM_002661.5 (MANE Select); coding-DNA position 97, T replaced by C.
Protein change: p.Phe33Leu; replaces phenylalanine 33 with leucine.
Molecular consequence: missense variant.
Genome position (GRCh38, 1-based): chr16:81,786,086, T>C. VCF-style: chr16-81786086-T-C. GRCh37 (hg19) VCF-style: chr16-81819691-T-C.
Other names: short protein forms F33L.
Identifiers: ClinVar variation 1003693 (VCV001003693.36), dbSNP rs773040139, ClinGen allele CA8193023.